The following is an entry in ClinVar:

NM_017999.5(RNF31):c.1345G>T (p.Ala449Ser)

Gene: RNF31 (ring finger protein 31; plus strand). Cytogenetic location: 14q12.
Variant type: single nucleotide variant.
Coding change: c.1345G>T on transcript NM_017999.5 (MANE Select); coding-DNA position 1345, G replaced by T.
Protein change: p.Ala449Ser; replaces alanine 449 with serine.
Molecular consequence: missense variant.
Genome position (GRCh38, 1-based): chr14:24,150,745, G>T. VCF-style: chr14-24150745-G-T. GRCh37 (hg19) VCF-style: chr14-24619954-G-T.
Other names: c.892G>T, p.Ala298Ser (NM_001310332.2); short protein forms A449S, A298S.
Identifiers: ClinVar variation 2073934 (VCV002073934.4), dbSNP rs2502000636, ClinGen allele CA389295013.

ClinVar aggregate classification (germline): Uncertain significance (1 of 4 stars; one submission).

Allele frequency attached by ClinVar (database versions not stated): gnomAD exomes below 0.00001.
gnomAD v4.1: 1 of 1,611,978 alleles (0.000062%); highest among the groups gnomAD compares: Admixed American, 0.0017%; no homozygotes.

Submission:

Labcorp Genetics (formerly Invitae), Labcorp
Classification: Uncertain significance. Last evaluated: 2022-10-17. Review status: criteria provided, single submitter. Criteria: Invitae Variant Classification Sherloc (09022015). Collection method: clinical testing. Allele origin: germline.
Comment: In summary, the available evidence is currently insufficient to determine the role of this variant in disease. Therefore, it has been classified as a Variant of Uncertain Significance. Algorithms developed to predict the effect of sequence changes on RNA splicing suggest that this variant may create or strengthen a splice site. Algorithms developed to predict the effect of missense changes on protein structure and function (SIFT, PolyPhen-2, Align-GVGD) all suggest that this variant is likely to be tolerated. This variant has not been reported in the literature in individuals affected with RNF31-related conditions. This variant is not present in population databases (gnomAD no frequency). This sequence change replaces alanine, which is neutral and non-polar, with serine, which is neutral and polar, at codon 449 of the RNF31 protein (p.Ala449Ser).